The following is an entry in ClinVar:

ClinVar aggregate classification (germline): Uncertain significance (1 of 4 stars; one submission).

Conditions:
Mucopolysaccharidosis, MPS-III-A (MPS3A). Also called: Mucopolysaccharidosis type IIIA (Sanfilippo A); HEPARAN SULFATE SULFATASE DEFICIENCY; SANFILIPPO SYNDROME A; SULFAMIDASE DEFICIENCY; MPS III A; Mucopolysaccharidosis, type IIIA. Identifiers: Orphanet 581, Orphanet 79269, MedGen C0086647, MONDO:0009655, OMIM 252900.

Submission:

Labcorp Genetics (formerly Invitae), Labcorp
Classification: Uncertain significance for Mucopolysaccharidosis, MPS-III-A. Last evaluated: 2024-07-03. Review status: criteria provided, single submitter. Criteria: Invitae Variant Classification Sherloc (09022015). Collection method: clinical testing. Allele origin: germline.
Comment: This sequence change replaces cysteine, which is neutral and slightly polar, with serine, which is neutral and polar, at codon 495 of the SGSH protein (p.Cys495Ser). This variant is not present in population databases (gnomAD no frequency). This variant has not been reported in the literature in individuals affected with SGSH-related conditions. Advanced modeling of protein sequence and biophysical properties (such as structural, functional, and spatial information, amino acid conservation, physicochemical variation, residue mobility, and thermodynamic stability) performed at Invitae indicates that this missense variant is not expected to disrupt SGSH protein function with a negative predictive value of 95%. In summary, the available evidence is currently insufficient to determine the role of this variant in disease. Therefore, it has been classified as a Variant of Uncertain Significance.

NM_000199.5(SGSH):c.1483T>A (p.Cys495Ser)

Gene: SGSH (N-sulfoglucosamine sulfohydrolase; minus strand). Cytogenetic location: 17q25.3.
Variant type: single nucleotide variant.
Coding change: c.1483T>A on transcript NM_000199.5 (MANE Select); coding-DNA position 1483, T replaced by A.
Protein change: p.Cys495Ser; replaces cysteine 495 with serine.
Molecular consequence: missense variant. On other transcripts: 3 prime UTR variant (2), non-coding transcript variant (1).
Genome position (GRCh38, 1-based): chr17:80,210,478, A>T on the plus strand (T>A on the coding strand, the complement: SGSH is on the minus strand). VCF-style: chr17-80210478-A-T. GRCh37 (hg19) VCF-style: chr17-78184277-A-T.
Other names: c.*570T>A (NM_001352921.3); c.*533T>A (NM_001352922.2); short protein forms C495S.
Identifiers: ClinVar variation 3634761 (VCV003634761.2).
Genomic context (GRCh38, chr17:80,210,478, plus strand): 5'-TGCCTGGGATGTGTGCACAGGCCTCCTGGGATGGTCACAGCTCATTGTGGAGGGGCTGGC[A>T]CTGGGGAGAGAGCTTCTCCTCCAGGACGCCGTCGGGGGCGCACACCCAGGGGTCGTGGGT-3'
Protein context (NP_000190.1, residues 485-502): GVLEEKLSPQ[Cys495Ser]QPLHNEL